The following is an entry in ClinVar:

NM_052867.4(NALCN):c.4142T>C (p.Val1381Ala)

Gene: NALCN (sodium leak channel, non-selective; minus strand). Cytogenetic location: 13q32.3.
Variant type: single nucleotide variant.
Coding change: c.4142T>C on transcript NM_052867.4 (MANE Select); coding-DNA position 4142, T replaced by C.
Protein change: p.Val1381Ala; replaces valine 1381 with alanine.
Molecular consequence: missense variant.
Genome position (GRCh38, 1-based): chr13:101,073,639, A>G on the plus strand (T>C on the coding strand, the complement: NALCN is on the minus strand). VCF-style: chr13-101073639-A-G. GRCh37 (hg19) VCF-style: chr13-101725991-A-G.
Other names: c.4142T>C (NM_052867.2); c.4229T>C, p.Val1410Ala (NM_001350748.2); c.4142T>C, p.Val1381Ala (NM_001350749.2); c.4055T>C, p.Val1352Ala (NM_001350750.2, NM_001350751.2); short protein forms V1410A, V1381A, V1352A.
Identifiers: ClinVar variation 3669132 (VCV003669132.3).
Genomic context (GRCh38, chr13:101,073,639, plus strand): 5'-TTTACCATACAGTCATGCATAATCTTGTTCCAGTCTTCACCTGTGACAATTCGGAACAGT[A>G]CGGTAATAGCTTTTCCAGCCGAAGAAAAATTTGCATGCCTAATTTAAGAAAAAAAAATTA-3'
Protein context (NP_443099.1, residues 1371-1391): NFSSAGKAIT[Val1381Ala]LFRIVTGEDW

ClinVar aggregate classification (germline): Uncertain significance. Review status: criteria provided, multiple submitters, no conflicts (2 of 4 stars). 2 submissions from 2 submitters: Uncertain significance (2). Last evaluated 2025-08-01.

Conditions:
Inborn genetic diseases. Identifiers: MedGen C0950123, MeSH D030342.

Submissions (2):

Ambry Genetics
Classification: Uncertain significance for Inborn genetic diseases. Last evaluated: 2025-08-01. Review status: criteria provided, single submitter. Criteria: Ambry Variant Classification Scheme 2023. Collection method: clinical testing. Allele origin: germline.

Labcorp Genetics (formerly Invitae), Labcorp
Classification: Uncertain significance. Last evaluated: 2024-07-19. Review status: criteria provided, single submitter. Criteria: Invitae Variant Classification Sherloc (09022015). Collection method: clinical testing. Allele origin: germline.
Comment: This sequence change replaces valine, which is neutral and non-polar, with alanine, which is neutral and non-polar, at codon 1381 of the NALCN protein (p.Val1381Ala). This variant is not present in population databases (gnomAD no frequency). This variant has not been reported in the literature in individuals affected with NALCN-related conditions. Advanced modeling of protein sequence and biophysical properties (such as structural, functional, and spatial information, amino acid conservation, physicochemical variation, residue mobility, and thermodynamic stability) performed at Invitae indicates that this missense variant is not expected to disrupt NALCN protein function with a negative predictive value of 80%. In summary, the available evidence is currently insufficient to determine the role of this variant in disease. Therefore, it has been classified as a Variant of Uncertain Significance.